The following is an entry in ClinVar:

ClinVar aggregate classification (germline): Conflicting classifications of pathogenicity. Review status: criteria provided, conflicting classifications (1 of 4 stars). 3 submissions from 3 submitters: Likely pathogenic (1); Uncertain significance (2). Last evaluated 2026-05-05.

Conditions:
GNPTG-mucolipidosis. Also called: ML III GAMMA; ML IIIC; MUCOLIPIDOSIS III, COMPLEMENTATION GROUP C; MUCOLIPIDOSIS III, IRANIAN VARIANT FORM; MUCOLIPIDOSIS III, VARIANT FORM; Mucolipidosis type III gamma. Identifiers: Orphanet 423470, Orphanet 577, MedGen C1854896, MONDO:0009652, OMIM 252605.

Submissions (3):

Women's Health and Genetics/Laboratory Corporation of America, LabCorp
Classification: Uncertain significance. Last evaluated: 2026-05-05. Review status: criteria provided, single submitter. Criteria: LabCorp Variant Classification Summary - May 2015. Collection method: clinical testing. Allele origin: germline.
Comment: Variant summary: GNPTG c.659_666dupAGACCCCA (p.Glu223ArgfsX40) results in a premature termination codon in the penultimate exon, predicted to cause a truncation of the encoded protein, however, nonsense mediated decay is not expected to occur. The variant was absent in 251314 control chromosomes. The available data on variant occurrences in the general population are insufficient to allow any conclusion about variant significance. To our knowledge, no occurrence of c.659_666dupAGACCCCA in individuals affected with GNPTG-related conditions and no experimental evidence demonstrating its impact on protein function have been reported. ClinVar contains an entry for this variant (Variation ID: 1435593). Based on the evidence outlined above, the variant was classified as uncertain significance.

Natera, Inc.
Classification: Likely pathogenic for Mucolipidosis III gamma. Last evaluated: 2024-02-24. Review status: criteria provided, single submitter. Criteria: Natera Variant Classification Schema (03/2026). Collection method: clinical testing. Allele origin: germline.
Comment: The c.659_666dupAGACCCCA variant in GNPTG is a frameshift variant predicted to shift the reading frame beginning at codon 223 and leads to a stop codon 40 codons downstream. This variant is expected to result in nonsense mediated decay, truncation, or a dysfunctional protein product. This variant is rare in the general population with a frequency below the threshold expected for the associated phenotype(s). Given the available evidence, this variant is classified as Likely Pathogenic.

Labcorp Genetics (formerly Invitae), Labcorp
Classification: Uncertain significance. Last evaluated: 2022-09-13. Review status: criteria provided, single submitter. Criteria: Invitae Variant Classification Sherloc (09022015). Collection method: clinical testing. Allele origin: germline.
Comment: This sequence change creates a premature translational stop signal (p.Glu223Argfs*40) in the GNPTG gene. While this is not anticipated to result in nonsense mediated decay, it is expected to disrupt the last 83 amino acid(s) of the GNPTG protein. This variant is not present in population databases (gnomAD no frequency). This variant has not been reported in the literature in individuals affected with GNPTG-related conditions. ClinVar contains an entry for this variant (Variation ID: 1435593). Experimental studies and prediction algorithms are not available or were not evaluated, and the functional significance of this variant is currently unknown. In summary, the available evidence is currently insufficient to determine the role of this variant in disease. Therefore, it has been classified as a Variant of Uncertain Significance.

NM_032520.5(GNPTG):c.659_666dup (p.Glu223fs)

Gene: GNPTG (N-acetylglucosamine-1-phosphate transferase subunit gamma; plus strand). Cytogenetic location: 16p13.3.
Variant type: Duplication.
Coding change: c.659_666dup on transcript NM_032520.5 (MANE Select); coding-DNA positions 659 to 666, 8 bases duplicated (AGACCCCA; older notation c.659_666dupAGACCCCA).
Protein change: p.Glu223fs; shifts the reading frame from glutamic acid 223.
Molecular consequence: frameshift variant.
Genome position (GRCh38, 1-based): chr16:1,362,660-1,362,667, AGACCCCA duplicated; duplicating any 8 consecutive bases within chr16:1,362,659-1,362,667 gives the same sequence; the c. name uses the placement nearest the transcript's 3' end. VCF-style (leftmost placement, unchanged base first): chr16-1362658-A-AAAGACCCC. GRCh37 (hg19) VCF-style: chr16-1412659-A-AAAGACCCC.
Other names: c.659_666dupAGACCCCA (NM_032520.5); short protein forms E223fs.
Identifiers: ClinVar variation 1435593 (VCV001435593.5), dbSNP rs2141864076, ClinGen allele CA912994976.